The following is an entry in ClinVar:

NM_182641.4(BPTF):c.4082C>G (p.Pro1361Arg)

Gene: BPTF (bromodomain PHD finger transcription factor; plus strand). Cytogenetic location: 17q24.2.
Variant type: single nucleotide variant.
Coding change: c.4082C>G on transcript NM_182641.4 (MANE Select); coding-DNA position 4082, C replaced by G.
Protein change: p.Pro1361Arg; replaces proline 1361 with arginine.
Molecular consequence: missense variant.
Genome position (GRCh38, 1-based): chr17:67,911,966, C>G. VCF-style: chr17-67911966-C-G. GRCh37 (hg19) VCF-style: chr17-65908082-C-G.
Other names: c.4460C>G, p.Pro1487Arg (NM_004459.7); short protein forms P1361R, P1487R.
Identifiers: ClinVar variation 2797509 (VCV002797509.3), dbSNP rs2062682900, ClinGen allele CA400728639.
Genomic context (GRCh38, chr17:67,911,966, plus strand): 5'-CCACTGGAAACTGTGAGGACAGGCTGCCGGTCAAGGGGACTGAAGCAAATGGTAAAAAAC[C>G]AAGTCAGCAGAAGAAATTAGAGGAGAGACCAGTTAATAAATGTAGTGATCAAATAAAGCT-3'
Protein context (NP_872579.2, residues 1351-1371): VKGTEANGKK[Pro1361Arg]SQQKKLEERP

ClinVar aggregate classification (germline): Uncertain significance (1 of 4 stars; one submission).

Submission:

Labcorp Genetics (formerly Invitae), Labcorp
Classification: Uncertain significance. Last evaluated: 2023-12-02. Review status: criteria provided, single submitter. Criteria: Invitae Variant Classification Sherloc (09022015). Collection method: clinical testing. Allele origin: germline.
Comment: This sequence change replaces proline, which is neutral and non-polar, with arginine, which is basic and polar, at codon 1487 of the BPTF protein (p.Pro1487Arg). This variant is not present in population databases (gnomAD no frequency). This variant has not been reported in the literature in individuals affected with BPTF-related conditions. Algorithms developed to predict the effect of missense changes on protein structure and function output the following: SIFT: "Not Available"; PolyPhen-2: "Benign"; Align-GVGD: "Not Available". The arginine amino acid residue is found in multiple mammalian species, which suggests that this missense change does not adversely affect protein function. In summary, the available evidence is currently insufficient to determine the role of this variant in disease. Therefore, it has been classified as a Variant of Uncertain Significance.